The following is an entry in ClinVar:

ClinVar aggregate classification (germline): Pathogenic (1 of 4 stars; one submission).

Conditions:
Polycystic kidney disease, adult type (PKD1). Also called: POLYCYSTIC KIDNEY DISEASE 1 WITH OR WITHOUT POLYCYSTIC LIVER DISEASE; POLYCYSTIC KIDNEY DISEASE, ADULT, TYPE I; Polycystic Kidney Disease 1, Autosomal Dominant; Polycystic kidney disease 1; Polycystic kidney disease 1, severe; Polycystic Kidney, Autosomal Dominant. Identifiers: MedGen C3149841, MONDO:0008263, OMIM 173900.

Submission:

Women's Health and Genetics/Laboratory Corporation of America, LabCorp
Classification: Pathogenic for Polycystic kidney disease, adult type. Last evaluated: 2026-06-30. Review status: criteria provided, single submitter. Criteria: LabCorp Variant Classification Summary - May 2015. Collection method: clinical testing. Allele origin: germline.
Comment: Variant summary: PKD1 c.1375delC (p.Arg459GlyfsX6) results in a premature termination codon, predicted to cause a truncation of the encoded protein or absence of the protein due to nonsense mediated decay, which are commonly known mechanisms for disease. The variant was absent in 102046 control chromosomes. To our knowledge, no occurrence of c.1375delC in individuals affected with PKD1-related conditions and no experimental evidence demonstrating its impact on protein function have been reported. No submitters have cited clinical-significance assessments for this variant to ClinVar. Based on the evidence outlined above, the variant was classified as pathogenic.

NM_001009944.3(PKD1):c.1375del (p.Arg459fs)

Gene: PKD1 (polycystin 1, transient receptor potential channel interacting; minus strand). Cytogenetic location: 16p13.3.
Variant type: Deletion.
Coding change: c.1375del on transcript NM_001009944.3 (MANE Select); coding-DNA position 1375, one base deleted (C; older notation c.1375delC).
Protein change: p.Arg459fs; shifts the reading frame from arginine 459.
Molecular consequence: frameshift variant.
Genome position (GRCh38, 1-based): chr16:2,117,499, G deleted on the plus strand (C on the coding strand, the reverse complement: PKD1 is on the minus strand); the first of 3 consecutive G bases (chr16:2,117,499-2,117,501); deleting any one gives the same sequence. VCF-style (leftmost placement, unchanged base first): chr16-2117498-CG-C. GRCh37 (hg19) VCF-style: chr16-2167499-CG-C.
Other names: c.1375del, p.Arg459fs (NM_000296.4); c.1375delC (NM_001009944.3); short protein forms R459fs.
Identifiers: ClinVar variation 4887138 (VCV004887138.1).